The following is an entry in ClinVar:

ClinVar aggregate classification (germline): Uncertain significance (1 of 4 stars; one submission).

Submission:

Labcorp Genetics (formerly Invitae), Labcorp
Classification: Uncertain significance. Last evaluated: 2020-05-20. Review status: criteria provided, single submitter. Criteria: Invitae Variant Classification Sherloc (09022015). Collection method: clinical testing. Allele origin: germline.
Comment: This variant has not been reported in the literature in individuals with IMPG1-related conditions. This variant is an out-of-frame deletion of the genomic region encompassing exon(s) 8-9 of the IMPG1 gene. This is expected to create a premature translational stop signal and result in an absent or disrupted protein product. The current clinical and genetic evidence is not sufficient to establish whether loss-of-function variants in IMPG1 cause disease. In summary, the available evidence is currently insufficient to determine the role of this variant in disease. Therefore, it has been classified as a Variant of Uncertain Significance.

NC_000006.11:g.(?_76717197)_(76720941_?)del

Gene: IMPG1 (interphotoreceptor matrix proteoglycan 1; minus strand). Cytogenetic location: 6q14.1.
Variant type: Deletion.
Identifiers: ClinVar variation 1061010 (VCV001061010.5).